The following is an entry in ClinVar:

ClinVar aggregate classification (germline): Uncertain significance (1 of 4 stars; one submission).

Conditions:
Inborn genetic diseases. Identifiers: MedGen C0950123, MeSH D030342.

Allele frequency attached by ClinVar (database versions not stated): ExAC 0.00003; TOPMed 0.00005; gnomAD 0.00008; ESP Exome Variant Server 0.00008.
gnomAD v4.1: 122 of 1,612,964 alleles (0.0076%); highest among the groups gnomAD compares: Non-Finnish European, 0.01%; no homozygotes.

Submission:

Ambry Genetics
Classification: Uncertain significance for Inborn genetic diseases. Last evaluated: 2026-04-01. Review status: criteria provided, single submitter. Criteria: Ambry Variant Classification Scheme 2023. Collection method: clinical testing. Allele origin: germline.
Comment: The c.3622C>T (p.P1208S) alteration is located in exon 16 (coding exon 16) of the TG gene. This alteration results from a C to T substitution at nucleotide position 3622, causing the proline (P) at amino acid position 1208 to be replaced by a serine (S). Based on data from gnomAD, the T allele has an overall frequency of 0.004% (11/277924) total alleles studied. The highest observed frequency was 0.009% (11/125524) of European (non-Finnish) alleles. Based on insufficient or conflicting evidence, the clinical significance of this alteration remains unclear.

NM_003235.5(TG):c.3622C>T (p.Pro1208Ser)

Gene: TG (thyroglobulin; plus strand). Cytogenetic location: 8q24.22.
Variant type: single nucleotide variant.
Coding change: c.3622C>T on transcript NM_003235.5 (MANE Select); coding-DNA position 3622, C replaced by T.
Protein change: p.Pro1208Ser; replaces proline 1208 with serine.
Molecular consequence: missense variant.
Genome position (GRCh38, 1-based): chr8:132,901,541, C>T. VCF-style: chr8-132901541-C-T. GRCh37 (hg19) VCF-style: chr8-133913786-C-T.
Other names: short protein forms P1208S.
Identifiers: ClinVar variation 2469237 (VCV002469237.3), dbSNP rs369112823, ClinGen allele CA4883799.